The following is an entry in ClinVar:

NM_018941.4(CLN8):c.70C>G (p.Arg24Gly)

Gene: CLN8 (CLN8 transmembrane ER and ERGIC protein; plus strand). Cytogenetic location: 8p23.3.
Variant type: single nucleotide variant.
Coding change: c.70C>G on transcript NM_018941.4 (MANE Select); coding-DNA position 70, C replaced by G.
Protein change: p.Arg24Gly; replaces arginine 24 with glycine.
Molecular consequence: missense variant.
Genome position (GRCh38, 1-based): chr8:1,771,124, C>G. VCF-style: chr8-1771124-C-G. GRCh37 (hg19) VCF-style: chr8-1719290-C-G.
Other names: short protein forms R24G.
Identifiers: ClinVar variation 2802 (VCV000002802.19), dbSNP rs104894064, ClinGen allele CA340024.

ClinVar aggregate classification (germline): Pathogenic. Review status: criteria provided, multiple submitters, no conflicts (2 of 4 stars). 7 submissions from 7 submitters: Pathogenic (4). 3 of the submissions do not count toward it. Last evaluated 2024-03-31.

Conditions:
CLN8-related disorder. Also called: CLN8-related condition.
Neuronal ceroid lipofuscinosis 8 northern epilepsy variant. Also called: NORTHERN EPILEPSY; EPILEPSY, PROGRESSIVE, WITH MENTAL RETARDATION. Identifiers: Orphanet 1947, MedGen C1864923, MONDO:0012391, OMIM 610003.
Neuronal ceroid lipofuscinosis 8 (CLN8). Also called: CLN8-Related Neuronal Ceroid-Lipofuscinosis. Identifiers: Orphanet 168491, Orphanet 228354, Orphanet 79264, MedGen C1838570, MONDO:0010830, OMIM 600143.
Neuronal ceroid lipofuscinosis. Also called: Neuronal Ceroid Lipofuscinoses. Identifiers: Orphanet 216, Orphanet 79263, MedGen C0027877, MONDO:0016295. Disease mechanism: loss of function.

gnomAD v4.1: 68 of 1,613,806 alleles (0.0042%); no homozygotes.

Submissions (7):

Fulgent Genetics
Classification: Pathogenic for Neuronal ceroid lipofuscinosis 8; Neuronal ceroid lipofuscinosis 8 northern epilepsy variant. Last evaluated: 2024-03-31. Review status: criteria provided, single submitter. Criteria: ACMG Guidelines, 2015. Collection method: clinical testing. Allele origin: germline.

Women's Health and Genetics/Laboratory Corporation of America, LabCorp
Classification: Pathogenic for Neuronal ceroid lipofuscinosis 8. Last evaluated: 2024-03-28. Review status: criteria provided, single submitter. Criteria: LabCorp Variant Classification Summary - May 2015. Collection method: clinical testing. Allele origin: germline.
Comment: Variant summary: CLN8 c.70C>G (p.Arg24Gly) results in a non-conservative amino acid change in the encoded protein sequence. Five of five in-silico tools predict a damaging effect of the variant on protein function. The variant allele was found at a frequency of 0.0001 in 251484 control chromosomes. c.70C>G has been reported in the literature in multiple individuals affected with Neuronal Ceroid-Lipofuscinosis, CLN8-Related (Northern Epilepsy) (Ranta_1999). These data indicate that the variant is very likely to be associated with disease. At least one publication reports experimental evidence demonstrates that variant does not affect protein localization (Lonka_2004) . The following publications have been ascertained in the context of this evaluation (PMID: 15160397, 10508524). ClinVar contains an entry for this variant (Variation ID: 2802). Based on the evidence outlined above, the variant was classified as pathogenic.

Labcorp Genetics (formerly Invitae), Labcorp
Classification: Pathogenic for Neuronal ceroid lipofuscinosis. Last evaluated: 2023-03-29. Review status: criteria provided, single submitter. Criteria: Invitae Variant Classification Sherloc (09022015). Collection method: clinical testing. Allele origin: germline.
Comment: ClinVar contains an entry for this variant (Variation ID: 2802). This missense change has been observed in individuals with progressive epilepsy with mental retardation, also known as Northern epilepsy (PMID: 10508524, 16828266). It is commonly reported in individuals of Finnish ancestry (PMID: 10508524, 16828266). This variant is present in population databases (rs104894064, gnomAD 0.1%). This sequence change replaces arginine, which is basic and polar, with glycine, which is neutral and non-polar, at codon 24 of the CLN8 protein (p.Arg24Gly). Advanced modeling of protein sequence and biophysical properties (such as structural, functional, and spatial information, amino acid conservation, physicochemical variation, residue mobility, and thermodynamic stability) has been performed at Invitae for this missense variant, however the output from this modeling did not meet the statistical confidence thresholds required to predict the impact of this variant on CLN8 protein function. Experimental studies have shown that this missense change does not substantially affect CLN8 function (PMID: 10861296, 15160397). For these reasons, this variant has been classified as Pathogenic.

Blueprint Genetics
Classification: Pathogenic for CLN8-related disorders. Last evaluated: 2021-05-20. Review status: criteria provided, single submitter. Criteria: ACMG Guidelines, 2015. Collection method: clinical testing. Allele origin: germline. Affected: yes. Observed: 5 variant alleles.

OMIM
Classification: Pathogenic for CEROID LIPOFUSCINOSIS, NEURONAL, 8, NORTHERN EPILEPSY VARIANT. Last evaluated: 2020-08-11. Review status: no assertion criteria provided. Collection method: literature only. Allele origin: germline. Not counted in ClinVar's aggregate classification.

Counsyl
Classification: Pathogenic for Neuronal ceroid lipofuscinosis 8. Last evaluated: 2016-03-08. Review status: no assertion criteria provided. Collection method: clinical testing. Allele origin: unknown. Not counted in ClinVar's aggregate classification.

GeneReviews
No classification provided. Condition: Neuronal ceroid lipofuscinosis 8 northern epilepsy variant. Review status: no classification provided. Collection method: literature only. Allele origin: unknown. Not counted in ClinVar's aggregate classification.

Literature cited by the submitters: PubMed 15160397 (cited by Women's Health and Genetics/Laboratory Corporation of America, LabCorp and Labcorp Genetics (formerly Invitae), Labcorp); PubMed 10508524 (cited by Women's Health and Genetics/Laboratory Corporation of America, LabCorp and Labcorp Genetics (formerly Invitae), Labcorp); PubMed 16828266 (cited by Labcorp Genetics (formerly Invitae), Labcorp); PubMed 10861296 (cited by Labcorp Genetics (formerly Invitae), Labcorp); Ranta, S. Personal Communication. 1999. Helsinki, Finland (cited by OMIM); PubMed 20301601 (cited by GeneReviews); NCBI Bookshelf NBK1428 (cited by GeneReviews).